The following is an entry in ClinVar:

ClinVar aggregate classification (germline): Uncertain significance (1 of 4 stars; one submission).

Allele frequency attached by ClinVar (database versions not stated): gnomAD 0.00001; 1000 Genomes Project 0.00020; 1000 Genomes Project 30x 0.00031.
gnomAD v4.1: 1 of 1,613,406 alleles (0.000062%); highest among the groups gnomAD compares: East Asian, 0.0022%; no homozygotes.

Submission:

Labcorp Genetics (formerly Invitae), Labcorp
Classification: Uncertain significance. Last evaluated: 2023-03-08. Review status: criteria provided, single submitter. Criteria: Invitae Variant Classification Sherloc (09022015). Collection method: clinical testing. Allele origin: germline.
Comment: Advanced modeling of protein sequence and biophysical properties (such as structural, functional, and spatial information, amino acid conservation, physicochemical variation, residue mobility, and thermodynamic stability) performed at Invitae indicates that this missense variant is not expected to disrupt DCHS1 protein function. This variant has not been reported in the literature in individuals affected with DCHS1-related conditions. This variant is not present in population databases (gnomAD no frequency). This sequence change replaces glycine, which is neutral and non-polar, with serine, which is neutral and polar, at codon 71 of the DCHS1 protein (p.Gly71Ser). In summary, the available evidence is currently insufficient to determine the role of this variant in disease. Therefore, it has been classified as a Variant of Uncertain Significance.

NM_003737.4(DCHS1):c.211G>A (p.Gly71Ser)

Gene: DCHS1 (dachsous cadherin-related 1; minus strand). Cytogenetic location: 11p15.4.
Variant type: single nucleotide variant.
Coding change: c.211G>A on transcript NM_003737.4 (MANE Select); coding-DNA position 211, G replaced by A.
Protein change: p.Gly71Ser; replaces glycine 71 with serine.
Molecular consequence: missense variant.
Genome position (GRCh38, 1-based): chr11:6,641,403, C>T on the plus strand (G>A on the coding strand, the complement: DCHS1 is on the minus strand). VCF-style: chr11-6641403-C-T. GRCh37 (hg19) VCF-style: chr11-6662634-C-T.
Other names: short protein forms G71S.
Identifiers: ClinVar variation 3004484 (VCV003004484.3), dbSNP rs531153125, ClinGen allele CA217303621.
Genomic context (GRCh38, chr11:6,641,403, plus strand): 5'-CTGTGCCCACGCCGCTGCCCTCTTGGGCAGAGATGAAGTACATGAGAGGAGCTGCCGTGC[C>T]TGCCGGAAGCCCCGCACTGATGTCGCCAATCAGTGTACCCGCTGGCTGCTCCTCATCAAT-3'
Protein context (NP_003728.1, residues 61-81): IGDISAGLPA[Gly71Ser]TAAPLMYFIS